The following is an entry in ClinVar:

ClinVar aggregate classification (germline): Likely benign (1 of 4 stars; one submission).

Allele frequency attached by ClinVar (database versions not stated): 1000 Genomes Project 30x 0.00016; 1000 Genomes Project 0.00020; TOPMed 0.00080; ESP Exome Variant Server 0.00084; gnomAD 0.00084; gnomAD exomes 0.00143; ExAC 0.00169.
gnomAD v4.1: 2,104 of 1,545,762 alleles (0.14%); highest among the groups gnomAD compares: Middle Eastern, 0.47%; 2 homozygotes.

Submission:

CeGaT Center for Human Genetics Tuebingen
Classification: Likely benign. Last evaluated: 2022-05-01. Review status: criteria provided, single submitter. Criteria: CeGaT Center For Human Genetics Tuebingen Variant Classification Criteria Version 2. Collection method: clinical testing. Allele origin: germline. Affected: yes. Observed: 1 variant allele.
Comment: USP34: BP4, BP7

NM_014709.4(USP34):c.3519A>T (p.Thr1173=)

Gene: USP34 (ubiquitin specific peptidase 34; minus strand). Cytogenetic location: 2p15.
Variant type: single nucleotide variant.
Coding change: c.3519A>T on transcript NM_014709.4 (MANE Select); coding-DNA position 3519, A replaced by T.
Protein change: p.Thr1173=; no amino-acid change (threonine 1173 retained).
Molecular consequence: synonymous variant.
Genome position (GRCh38, 1-based): chr2:61,314,608, T>A on the plus strand (A>T on the coding strand, the complement: USP34 is on the minus strand). VCF-style: chr2-61314608-T-A. GRCh37 (hg19) VCF-style: chr2-61541743-T-A.
Identifiers: ClinVar variation 2650981 (VCV002650981.24), dbSNP rs190872867, ClinGen allele CA1676836.
Genomic context (GRCh38, chr2:61,314,608, plus strand): 5'-GAAATTCATTCTAACAGTGTGATATTTTAAAAATTACCTTCTCCTAAACGCTTCCAGATG[T>A]GTCTTCAGCATAAGGAGTCCTCTTTCTATAACCATGAGACTTGAGTGTGATTCCTGTTCA-3'
Protein context (NP_055524.3, residues 1163-1183): VIERGLLMLK[Thr1173=]HLEAFRRRFA